The following is an entry in ClinVar:

NM_001127222.2(CACNA1A):c.1690G>A (p.Glu564Lys)

Gene: CACNA1A (calcium voltage-gated channel subunit alpha1 A; minus strand). Cytogenetic location: 19p13.13.
Variant type: single nucleotide variant.
Coding change: c.1690G>A on transcript NM_001127222.2 (MANE Select); coding-DNA position 1690, G replaced by A.
Protein change: p.Glu564Lys; replaces glutamic acid 564 with lysine.
Molecular consequence: missense variant.
Genome position (GRCh38, 1-based): chr19:13,308,507, C>T on the plus strand (G>A on the coding strand, the complement: CACNA1A is on the minus strand). VCF-style: chr19-13308507-C-T. GRCh37 (hg19) VCF-style: chr19-13419321-C-T.
Other names: c.1693G>A, p.Glu565Lys (NM_000068.4, NM_001127221.2, NM_001174080.2 and 1 more transcripts); short protein forms E565K, E564K.
Identifiers: ClinVar variation 374438 (VCV000374438.51), dbSNP rs1057519099, ClinGen allele CA16043734.
Genomic context (GRCh38, chr19:13,308,507, plus strand): 5'-GGGCTCGTAACACGCTGATTCCAAAGGATGTGCCAGGTTTTATGACAGCCCAGATGACCT[C>T]GAAGATGCTCCCAATGATAACCTAGGGCAGAGAACCTGGTCTCATGTCCAGGGACAGTGT-3'
Protein context (NP_001120694.1, residues 554-574): DCGVIIGSIF[Glu564Lys]VIWAVIKPGT

ClinVar aggregate classification (germline): Uncertain significance. Review status: criteria provided, multiple submitters, no conflicts (2 of 4 stars). 3 submissions from 3 submitters: Uncertain significance (3). Last evaluated 2025-01-06.

Conditions:
Developmental and epileptic encephalopathy, 42 (DEE42A). Also called: DEVELOPMENTAL AND EPILEPTIC ENCEPHALOPATHY 42A; EPILEPTIC ENCEPHALOPATHY, EARLY INFANTILE, 42A; Epileptic encephalopathy, early infantile, 42. Identifiers: MedGen C4310716, MONDO:0014917, OMIM 617106.
Episodic ataxia type 2 (EA2). Also called: ACETAZOLAMIDE-RESPONSIVE HEREDITARY PAROXYSMAL CEREBELLAR ATAXIA; ATAXIA, EPISODIC, WITH NYSTAGMUS; ATAXIA, FAMILIAL PAROXYSMAL; CEREBELLAR ATAXIA, PAROXYSMAL, ACETAZOLAMIDE-RESPONSIVE; CEREBELLOPATHY, HEREDITARY PAROXYSMAL; EPISODIC ATAXIA, NYSTAGMUS-ASSOCIATED. Identifiers: Orphanet 97, MedGen C1720416, MONDO:0007163, OMIM 108500.

Allele frequency attached by ClinVar (database versions not stated): gnomAD exomes below 0.00001.
gnomAD v4.1: 1 of 1,611,960 alleles (0.000062%); highest among the groups gnomAD compares: Non-Finnish European, 0.000085%; no homozygotes.

Submissions (3):

Labcorp Genetics (formerly Invitae), Labcorp
Classification: Uncertain significance for Developmental and epileptic encephalopathy, 42; Episodic ataxia type 2. Last evaluated: 2025-01-06. Review status: criteria provided, single submitter. Criteria: Invitae Variant Classification Sherloc (09022015). Collection method: clinical testing. Allele origin: germline.
Comment: This sequence change replaces glutamic acid, which is acidic and polar, with lysine, which is basic and polar, at codon 565 of the CACNA1A protein (p.Glu565Lys). This variant is not present in population databases (gnomAD no frequency). This missense change has been observed in individual(s) with CACNA1A-related conditions (PMID: 36063114). ClinVar contains an entry for this variant (Variation ID: 374438). Invitae Evidence Modeling of protein sequence and biophysical properties (such as structural, functional, and spatial information, amino acid conservation, physicochemical variation, residue mobility, and thermodynamic stability) indicates that this missense variant is expected to disrupt CACNA1A protein function with a positive predictive value of 95%. In summary, the available evidence is currently insufficient to determine the role of this variant in disease. Therefore, it has been classified as a Variant of Uncertain Significance.

GeneDx
Classification: Uncertain significance. Last evaluated: 2023-09-25. Review status: criteria provided, single submitter. Criteria: GeneDx Variant Classification Process June 2021. Collection method: clinical testing. Allele origin: germline. Affected: yes.
Comment: Not observed at significant frequency in large population cohorts (gnomAD); In silico analysis supports that this missense variant has a deleterious effect on protein structure/function; This variant is associated with the following publications: (PMID: 36063114)

CeGaT Center for Human Genetics Tuebingen
Classification: Uncertain significance. Last evaluated: 2016-08-01. Review status: criteria provided, single submitter. Criteria: CeGaT Center For Human Genetics Tuebingen Variant Classification Criteria Version 2. Collection method: clinical testing. Allele origin: germline. Affected: yes. Observed: 2 variant alleles.

Literature cited by the submitters: PubMed 36063114 (cited by Labcorp Genetics (formerly Invitae), Labcorp).